The following is an entry in ClinVar:

NM_000222.3(KIT):c.499A>C (p.Lys167Gln)

Gene: KIT (KIT proto-oncogene, receptor tyrosine kinase; plus strand). Cytogenetic location: 4q12.
Variant type: single nucleotide variant.
Coding change: c.499A>C on transcript NM_000222.3 (MANE Select); coding-DNA position 499, A replaced by C.
Protein change: p.Lys167Gln; replaces lysine 167 with glutamine.
Molecular consequence: missense variant.
Genome position (GRCh38, 1-based): chr4:54,698,445, A>C. VCF-style: chr4-54698445-A-C. GRCh37 (hg19) VCF-style: chr4-55564611-A-C.
Other names: c.499A>C, p.Lys167Gln (NM_001093772.2, NM_001385284.1, NM_001385285.1 and 4 more transcripts); short protein forms K167Q.
Identifiers: ClinVar variation 3230687 (VCV003230687.3), dbSNP rs2109673525, ClinGen allele CA356897719.
Genomic context (GRCh38, chr4:54,698,445, plus strand): 5'-TCCCTCAAGGGGTGCCAGGGGAAGCCTCTTCCCAAGGACTTGAGGTTTATTCCTGACCCC[A>C]AGGCGGGCATCATGATCAAAAGTGTGAAACGCGCCTACCATCGGCTCTGTCTGCATTGTT-3'
Protein context (NP_000213.1, residues 157-177): PKDLRFIPDP[Lys167Gln]AGIMIKSVKR

ClinVar aggregate classification (germline): Uncertain significance. Review status: criteria provided, multiple submitters, no conflicts (2 of 4 stars). 2 submissions from 2 submitters: Uncertain significance (2). Last evaluated 2024-02-12.

Conditions:
Hereditary cancer-predisposing syndrome. Also called: Neoplastic Syndromes, Hereditary; Tumor predisposition; Hereditary Cancer Syndrome; Hereditary neoplastic syndrome. Identifiers: Orphanet 140162, MedGen C0027672, MeSH D009386, MONDO:0015356.
Gastrointestinal stromal tumor. Also called: Gastrointestinal stromal tumor, somatic; Gastrointestinal stroma tumor. Identifiers: Orphanet 44890, MedGen C0238198, MeSH D046152, MONDO:0011719, OMIM 606764, HP:0100723.

Submissions (2):

Labcorp Genetics (formerly Invitae), Labcorp
Classification: Uncertain significance for Gastrointestinal stromal tumor. Last evaluated: 2024-02-12. Review status: criteria provided, single submitter. Criteria: Invitae Variant Classification Sherloc (09022015). Collection method: clinical testing. Allele origin: germline.
Comment: This sequence change replaces lysine, which is basic and polar, with glutamine, which is neutral and polar, at codon 167 of the KIT protein (p.Lys167Gln). This variant is not present in population databases (gnomAD no frequency). This variant has not been reported in the literature in individuals affected with KIT-related conditions. Algorithms developed to predict the effect of missense changes on protein structure and function output the following: SIFT: "Not Available"; PolyPhen-2: "Benign"; Align-GVGD: "Not Available". The glutamine amino acid residue is found in multiple mammalian species, which suggests that this missense change does not adversely affect protein function. In summary, the available evidence is currently insufficient to determine the role of this variant in disease. Therefore, it has been classified as a Variant of Uncertain Significance.

Ambry Genetics
Classification: Uncertain significance for Hereditary cancer-predisposing syndrome. Last evaluated: 2024-01-22. Review status: criteria provided, single submitter. Criteria: Ambry Variant Classification Scheme 2023. Collection method: clinical testing. Allele origin: germline.
Comment: The p.K167Q variant (also known as c.499A>C), located in coding exon 3 of the KIT gene, results from an A to C substitution at nucleotide position 499. The lysine at codon 167 is replaced by glutamine, an amino acid with similar properties. This amino acid position is conserved. In addition, this alteration is predicted to be tolerated by in silico analysis. Based on the available evidence, the clinical significance of this alteration remains unclear.